The following is an entry in ClinVar:

NM_170754.4(TNS2):c.893A>G (p.Asn298Ser)

Gene: TNS2 (tensin 2; plus strand). Cytogenetic location: 12q13.13.
Variant type: single nucleotide variant.
Coding change: c.893A>G on transcript NM_170754.4 (MANE Select); coding-DNA position 893, A replaced by G.
Protein change: p.Asn298Ser; replaces asparagine 298 with serine.
Molecular consequence: missense variant.
Genome position (GRCh38, 1-based): chr12:53,057,614, A>G. VCF-style: chr12-53057614-A-G. GRCh37 (hg19) VCF-style: chr12-53451398-A-G.
Other names: c.893A>G, p.Asn298Ser (NM_001416202.1, NM_001416204.1); c.824A>G, p.Asn275Ser (NM_001416203.1, NM_015319.3); c.521A>G, p.Asn174Ser (NM_198316.2); short protein forms N275S, N298S, N174S.
Identifiers: ClinVar variation 4719709 (VCV004719709.1).

ClinVar aggregate classification (germline): Uncertain significance (1 of 4 stars; one submission).

gnomAD v4.1: 1 of 1,613,998 alleles (0.000062%); highest among the groups gnomAD compares: East Asian, 0.0022%; no homozygotes.

Submission:

Labcorp Genetics (formerly Invitae), Labcorp
Classification: Uncertain significance. Last evaluated: 2025-07-06. Review status: criteria provided, single submitter. Criteria: Invitae Variant Classification Sherloc (09022015). Collection method: clinical testing. Allele origin: germline.
Comment: This sequence change replaces asparagine, which is neutral and polar, with serine, which is neutral and polar, at codon 308 of the TNS2 protein (p.Asn308Ser). This variant is not present in population databases (gnomAD no frequency). This variant has not been reported in the literature in individuals affected with TNS2-related conditions. An algorithm developed to predict the effect of missense changes on protein structure and function (PolyPhen-2) suggests that this variant is likely to be disruptive. In summary, the available evidence is currently insufficient to determine the role of this variant in disease. Therefore, it has been classified as a Variant of Uncertain Significance.